The following is an entry in ClinVar:

ClinVar aggregate classification (germline): Uncertain significance. Review status: criteria provided, multiple submitters, no conflicts (2 of 4 stars). 3 submissions from 3 submitters: Uncertain significance (3). Last evaluated 2024-08-20.

Conditions:
Inborn genetic diseases. Identifiers: MedGen C0950123, MeSH D030342.

gnomAD v4.1: 54 of 1,613,974 alleles (0.0033%); highest among the groups gnomAD compares: Middle Eastern, 0.016%; no homozygotes.

Submissions (3):

Ambry Genetics
Classification: Uncertain significance for Inborn genetic diseases. Last evaluated: 2024-08-20. Review status: criteria provided, single submitter. Criteria: Ambry Variant Classification Scheme 2023. Collection method: clinical testing. Allele origin: germline.

GeneDx
Classification: Uncertain significance. Last evaluated: 2023-06-16. Review status: criteria provided, single submitter. Criteria: GeneDx Variant Classification Process June 2021. Collection method: clinical testing. Allele origin: germline. Affected: yes.
Comment: Not observed at significant frequency in large population cohorts (gnomAD); In silico analysis supports that this missense variant does not alter protein structure/function; Has not been previously published as pathogenic or benign to our knowledge

Labcorp Genetics (formerly Invitae), Labcorp
Classification: Uncertain significance. Last evaluated: 2022-05-12. Review status: criteria provided, single submitter. Criteria: Invitae Variant Classification Sherloc (09022015). Collection method: clinical testing. Allele origin: germline.
Comment: This sequence change replaces proline, which is neutral and non-polar, with threonine, which is neutral and polar, at codon 1284 of the RTTN protein (p.Pro1284Thr). This variant is present in population databases (rs377399910, gnomAD 0.02%). This variant has not been reported in the literature in individuals affected with RTTN-related conditions. ClinVar contains an entry for this variant (Variation ID: 1301190). Algorithms developed to predict the effect of missense changes on protein structure and function output the following: SIFT: "Tolerated"; PolyPhen-2: "Benign"; Align-GVGD: "Class C0". The threonine amino acid residue is found in multiple mammalian species, which suggests that this missense change does not adversely affect protein function. In summary, the available evidence is currently insufficient to determine the role of this variant in disease. Therefore, it has been classified as a Variant of Uncertain Significance.

NM_173630.4(RTTN):c.3850C>A (p.Pro1284Thr)

Gene: RTTN (rotatin; minus strand). Cytogenetic location: 18q22.2.
Variant type: single nucleotide variant.
Coding change: c.3850C>A on transcript NM_173630.4 (MANE Select); coding-DNA position 3850, C replaced by A.
Protein change: p.Pro1284Thr; replaces proline 1284 with threonine.
Molecular consequence: missense variant.
Genome position (GRCh38, 1-based): chr18:70,109,551, G>T on the plus strand (C>A on the coding strand, the complement: RTTN is on the minus strand). VCF-style: chr18-70109551-G-T. GRCh37 (hg19) VCF-style: chr18-67776787-G-T.
Other names: c.1114C>A, p.Pro372Thr (NM_001318520.2); short protein forms P1284T, P372T.
Identifiers: ClinVar variation 1301190 (VCV001301190.6), dbSNP rs377399910, ClinGen allele CA8995477.
Genomic context (GRCh38, chr18:70,109,551, plus strand): 5'-TACTTACCTCAAGGAGACCTGACAAGTACTTCACACAGATATCTAGAGGCTTTGTGAGAG[G>T]AGAGTGTGAGCTCCATCCCGGAAACGCAGTGAGGTTAGCCATCCCTCGTAAGGTCCGCTC-3'
Protein context (NP_775901.3, residues 1274-1294): TAFPGWSSHS[Pro1284Thr]LTKPLDICVK